The following is an entry in ClinVar:

ClinVar aggregate classification (germline): Likely benign (0 of 4 stars; one submission).

Conditions:
PHIP-related disorder. Also called: PHIP-related condition; PHIP-related disorders.

gnomAD v4.1: 7 of 1,604,576 alleles (0.00044%); highest among the groups gnomAD compares: Non-Finnish European, 0.0006%; no homozygotes.

Submission:

PreventionGenetics, part of Exact Sciences
Classification: Likely benign for PHIP-related condition. Last evaluated: 2024-07-11. Review status: no assertion criteria provided. Collection method: clinical testing. Allele origin: germline.
Comment: This variant is classified as likely benign based on ACMG/AMP sequence variant interpretation guidelines (Richards et al. 2015 PMID: 25741868, with internal and published modifications).

NM_017934.7(PHIP):c.1390-4T>C

Gene: PHIP (PHIP subunit of CUL4-Ring ligase complex; minus strand). Cytogenetic location: 6q14.1.
Variant type: single nucleotide variant.
Coding change: c.1390-4T>C on transcript NM_017934.7 (MANE Select); 4 bases into the intron before coding-DNA position 1390, T replaced by C.
Molecular consequence: intron variant.
Genome position (GRCh38, 1-based): chr6:79,015,220, A>G on the plus strand (T>C on the coding strand, the complement: PHIP is on the minus strand). VCF-style: chr6-79015220-A-G. GRCh37 (hg19) VCF-style: chr6-79724937-A-G.
Identifiers: ClinVar variation 3346510 (VCV003346510.1).